The following is an entry in ClinVar:

ClinVar aggregate classification (germline): Uncertain significance (1 of 4 stars; one submission).

Submission:

Labcorp Genetics (formerly Invitae), Labcorp
Classification: Uncertain significance. Last evaluated: 2026-01-18. Review status: criteria provided, single submitter. Criteria: Invitae Variant Classification Sherloc (09022015). Collection method: clinical testing. Allele origin: germline.
Comment: This sequence change creates a premature translational stop signal (p.Thr515Lysfs*46) in the DDX58 gene. It is expected to result in an absent or disrupted protein product. However, the current clinical and genetic evidence is not sufficient to establish whether loss-of-function variants in DDX58 cause disease. This variant is present in population databases (rs762248067, gnomAD 0.0009%). This variant has not been reported in the literature in individuals affected with DDX58-related conditions. Algorithms developed to predict the effect of sequence changes on RNA splicing suggest that this variant may disrupt the consensus splice site. In summary, the available evidence is currently insufficient to determine the role of this variant in disease. Therefore, it has been classified as a Variant of Uncertain Significance.

NM_014314.4(RIGI):c.1544del (p.Thr515fs)

Gene: RIGI (RNA sensor RIG-I; minus strand). Cytogenetic location: 9p21.1.
Variant type: Deletion.
Coding change: c.1544del on transcript NM_014314.4 (MANE Select); coding-DNA position 1544, one base deleted (C; older notation c.1544delC).
Protein change: p.Thr515fs; shifts the reading frame from threonine 515.
Molecular consequence: frameshift variant.
Genome position (GRCh38, 1-based): chr9:32,481,434, G deleted on the plus strand (C on the coding strand, the reverse complement: RIGI is on the minus strand). VCF-style (leftmost placement, unchanged base first): chr9-32481433-TG-T. GRCh37 (hg19) VCF-style: chr9-32481431-TG-T.
Other names: c.1538del, p.Thr513fs (NM_001385907.1); c.1544del, p.Thr515fs (NM_001385909.1); c.1103del, p.Thr368fs (NM_001385910.1); c.935del, p.Thr312fs (NM_001385912.1); c.1529del, p.Thr510fs (NM_001385913.1); c.1100del, p.Thr367fs (NM_001385914.1); short protein forms T515fs, T312fs, T367fs, T510fs, T513fs, T368fs.
Identifiers: ClinVar variation 4703886 (VCV004703886.1).